The following is an entry in ClinVar:

ClinVar aggregate classification (germline): Uncertain significance (1 of 4 stars; one submission).

Conditions:
COG4-congenital disorder of glycosylation. Also called: CONGENITAL DISORDER OF GLYCOSYLATION, TYPE IIj; CDG IIj; COG4-CDG. Identifiers: Orphanet 263501, MedGen C4303552, MONDO:0013281, OMIM 613489.

Allele frequency attached by ClinVar (database versions not stated): gnomAD below 0.00001 and 0.00001; gnomAD exomes 0.00001; TOPMed 0.00001; ExAC 0.00002; ESP Exome Variant Server 0.00008.
gnomAD v4.1: 19 of 1,609,120 alleles (0.0012%); highest among the groups gnomAD compares: Middle Eastern, 0.016%; no homozygotes.

Submission:

Labcorp Genetics (formerly Invitae), Labcorp
Classification: Uncertain significance for COG4-congenital disorder of glycosylation. Last evaluated: 2020-03-11. Review status: criteria provided, single submitter. Criteria: Invitae Variant Classification Sherloc (09022015). Collection method: clinical testing. Allele origin: germline.
Comment: In summary, the available evidence is currently insufficient to determine the role of this variant in disease. Therefore, it has been classified as a Variant of Uncertain Significance. Algorithms developed to predict the effect of missense changes on protein structure and function are either unavailable or do not agree on the potential impact of this missense change (SIFT: "Deleterious"; PolyPhen-2: "Benign"; Align-GVGD: "Class C35"). This sequence change replaces arginine with glutamine at codon 83 of the COG4 protein (p.Arg83Gln). The arginine residue is highly conserved and there is a small physicochemical difference between arginine and glutamine. This variant is present in population databases (rs374037904, ExAC 0.006%). This variant has not been reported in the literature in individuals with COG4-related conditions.

NM_015386.3(COG4):c.248G>A (p.Arg83Gln)

Gene: COG4 (component of oligomeric golgi complex 4; minus strand). Cytogenetic location: 16q22.1.
Variant type: single nucleotide variant.
Coding change: c.248G>A on transcript NM_015386.3 (MANE Select); coding-DNA position 248, G replaced by A.
Protein change: p.Arg83Gln; replaces arginine 83 with glutamine.
Molecular consequence: missense variant. On other transcripts: 5 prime UTR variant (1), non-coding transcript variant (1).
Genome position (GRCh38, 1-based): chr16:70,519,655, C>T on the plus strand (G>A on the coding strand, the complement: COG4 is on the minus strand). VCF-style: chr16-70519655-C-T. GRCh37 (hg19) VCF-style: chr16-70553558-C-T.
Other names: c.236G>A, p.Arg79Gln (NM_001195139.2); c.-352G>A (NM_001365426.1); short protein forms R83Q, R79Q.
Identifiers: ClinVar variation 854347 (VCV000854347.9), dbSNP rs374037904, ClinGen allele CA8144769.